The following is an entry in ClinVar:

NM_144672.4(OTOA):c.511C>T (p.Leu171=)

Gene: OTOA (otoancorin). Cytogenetic location: 16p12.2.
Variant type: single nucleotide variant.
Coding change: c.511C>T on transcript NM_144672.4 (MANE Select); coding-DNA position 511, C replaced by T.
Protein change: p.Leu171=; no amino-acid change (leucine 171 retained).
Molecular consequence: synonymous variant.
Genome position (GRCh38, 1-based): chr16:21,687,524, C>T. VCF-style: chr16-21687524-C-T. GRCh37 (hg19) VCF-style: chr16-21698845-C-T.
Other names: c.274C>T, p.Leu92= (NM_001161683.2).
Identifiers: ClinVar variation 2785005 (VCV002785005.9), dbSNP rs1897740694, ClinGen allele CA494113770.
Genomic context (GRCh38, chr16:21,687,524, plus strand): 5'-CAGAGCCCTGGCGTGAACCGCAGCCTGTTTCTCATCACACTGGAGAGGTGTTTCCAGATG[C>T]TGAACTCCCTGGAGTGTGTGGAGATCCTGGGCAAGGTGCTGAGGGGGTCCTCAGGGAGCT-3'
Protein context (NP_653273.3, residues 161-181): LITLERCFQM[Leu171=]NSLECVEILG

ClinVar aggregate classification (germline): Likely benign. Review status: criteria provided, multiple submitters, no conflicts (2 of 4 stars). 2 submissions from 2 submitters: Likely benign (2). Last evaluated 2025-11-01.

Allele frequency attached by ClinVar (database versions not stated): TOPMed below 0.00001.

Submissions (2):

CeGaT Center for Human Genetics Tuebingen
Classification: Likely benign. Last evaluated: 2025-11-01. Review status: criteria provided, single submitter. Criteria: CeGaT Center For Human Genetics Tuebingen Variant Classification Criteria Version 2. Collection method: clinical testing. Allele origin: germline. Affected: yes. Observed: 1 variant allele.
Comment: OTOA: PM2:Supporting, BP4, BP7

Labcorp Genetics (formerly Invitae), Labcorp
Classification: Likely benign. Last evaluated: 2023-05-19. Review status: criteria provided, single submitter. Criteria: Invitae Variant Classification Sherloc (09022015). Collection method: clinical testing. Allele origin: germline.